The following is an entry in ClinVar:

ClinVar aggregate classification (germline): Uncertain significance (1 of 4 stars; one submission).

Conditions:
ALG1-congenital disorder of glycosylation. Also called: CONGENITAL DISORDER OF GLYCOSYLATION, TYPE Ik; CDG Ik; ALG1-CDG. Identifiers: Orphanet 79327, MedGen C2931005, MONDO:0012052, OMIM 608540.

Submission:

Juno Genomics, Hangzhou Juno Genomics, Inc
Classification: Uncertain significance for ALG1-congenital disorder of glycosylation. Review status: criteria provided, single submitter. Criteria: ACMG Guidelines, 2015. Collection method: clinical testing. Allele origin: germline.
Comment: Absent from controls (or at extremely low frequency if recessive) in Genome Aggregation Database.;Multiple lines of computational evidence support a deleterious effect on the gene or gene product.

NM_019109.5(ALG1):c.595A>G (p.Met199Val)

Gene: ALG1 (ALG1 chitobiosyldiphosphodolichol beta-mannosyltransferase; plus strand). Cytogenetic location: 16p13.3.
Variant type: single nucleotide variant.
Coding change: c.595A>G on transcript NM_019109.5 (MANE Select); coding-DNA position 595, A replaced by G.
Protein change: p.Met199Val; replaces methionine 199 with valine.
Molecular consequence: missense variant.
Genome position (GRCh38, 1-based): chr16:5,077,500, A>G. VCF-style: chr16-5077500-A-G. GRCh37 (hg19) VCF-style: chr16-5127501-A-G.
Other names: c.262A>G, p.Met88Val (NM_001330504.2); c.595A>G, p.Met199Val (NM_001438123.1); short protein forms M88V, M199V.
Identifiers: ClinVar variation 5005592 (VCV005005592.2).